The following is an entry in ClinVar:

NM_004329.3(BMPR1A):c.1562T>C (p.Leu521Pro)

Gene: BMPR1A (bone morphogenetic protein receptor type 1A; plus strand). Cytogenetic location: 10q23.2.
Variant type: single nucleotide variant.
Coding change: c.1562T>C on transcript NM_004329.3 (MANE Select); coding-DNA position 1562, T replaced by C.
Protein change: p.Leu521Pro; replaces leucine 521 with proline.
Molecular consequence: missense variant.
Genome position (GRCh38, 1-based): chr10:86,923,682, T>C. VCF-style: chr10-86923682-T-C. GRCh37 (hg19) VCF-style: chr10-88683439-T-C.
Other names: short protein forms L521P.
Identifiers: ClinVar variation 429089 (VCV000429089.6), dbSNP rs1131691169, ClinGen allele CA377463971.

ClinVar aggregate classification (germline): Likely pathogenic (1 of 4 stars; one submission).

Conditions:
Hereditary cancer-predisposing syndrome. Also called: Hereditary Cancer Syndrome; Tumor predisposition; Hereditary neoplastic syndrome; Neoplastic Syndromes, Hereditary. Identifiers: Orphanet 140162, MedGen C0027672, MeSH D009386, MONDO:0015356.

Submission:

Ambry Genetics
Classification: Likely pathogenic for Hereditary cancer-predisposing syndrome. Last evaluated: 2026-04-03. Review status: criteria provided, single submitter. Criteria: Ambry Variant Classification Scheme 2023. Collection method: clinical testing. Allele origin: germline.
Comment: The p.L521P variant (also known as c.1562T>C), located in coding exon 11 of the BMPR1A gene, results from a T to C substitution at nucleotide position 1562. The leucine at codon 521 is replaced by proline, an amino acid with similar properties. This variant was reported in individual(s) with features consistent with BMPR1A-related Juvenile Polyposis syndrome (Ambry internal data). This nucleotide position is highly conserved in available vertebrate species. This amino acid position is highly conserved in available vertebrate species. In addition, this alteration is predicted to be deleterious by in silico analysis. This variant is considered to be rare based on population cohorts in the Genome Aggregation Database (gnomAD). Based on the majority of available evidence to date, this variant is likely to be pathogenic.